The following is an entry in ClinVar:

ClinVar aggregate classification (germline): Uncertain significance (1 of 4 stars; one submission).

Conditions:
Dyskeratosis congenita. Identifiers: Orphanet 1775, MedGen C0265965, MONDO:0015780.

gnomAD v4.1: 2 of 1,393,228 alleles (0.00014%); highest among the groups gnomAD compares: Non-Finnish European, 0.000093%; no homozygotes.

Submission:

Ambry Genetics
Classification: Uncertain significance for Dyskeratosis congenita. Last evaluated: 2025-10-08. Review status: criteria provided, single submitter. Criteria: Ambry Variant Classification Scheme 2023. Collection method: clinical testing. Allele origin: germline.
Comment: The p.R15C variant (also known as c.43C>T), located in coding exon 1 of the TERT gene, results from a C to T substitution at nucleotide position 43. The arginine at codon 15 is replaced by cysteine, an amino acid with highly dissimilar properties. This amino acid position is conserved. In addition, the in silico prediction for this alteration is inconclusive. Based on the available evidence, the clinical significance of this variant remains unclear.

NM_198253.3(TERT):c.43C>T (p.Arg15Cys)

Genes: TERT (telomerase reverse transcriptase; minus strand), LOC110806263 (TERT 5' regulatory region; plus strand). Cytogenetic location: 5p15.33.
Variant type: single nucleotide variant.
Coding change: c.43C>T on transcript NM_198253.3 (MANE Select); coding-DNA position 43, C replaced by T.
Protein change: p.Arg15Cys; replaces arginine 15 with cysteine.
Molecular consequence: missense variant. On other transcripts: non-coding transcript variant (2).
Genome position (GRCh38, 1-based): chr5:1,294,947, G>A on the plus strand (C>T on the coding strand, the complement: TERT is on the minus strand). VCF-style: chr5-1294947-G-A. GRCh37 (hg19) VCF-style: chr5-1295062-G-A.
Other names: c.43C>T, p.Arg15Cys (NM_001193376.3); short protein forms R15C.
Identifiers: ClinVar variation 4561611 (VCV004561611.1).